The following is an entry in ClinVar:

NM_002474.3(MYH11):c.4814T>G (p.Leu1605Arg)

Genes: MYH11 (myosin heavy chain 11; minus strand), NDE1 (nudE neurodevelopment protein 1; plus strand). Cytogenetic location: 16p13.11.
Variant type: single nucleotide variant.
Coding change: c.4814T>G on transcript NM_002474.3 (MANE Select); coding-DNA position 4814, T replaced by G.
Protein change: p.Leu1605Arg; replaces leucine 1605 with arginine.
Molecular consequence: missense variant. On other transcripts: intron variant (2).
Genome position (GRCh38, 1-based): chr16:15,720,290, A>C on the plus strand (T>G on the coding strand, the complement: MYH11 is on the minus strand). VCF-style: chr16-15720290-A-C. GRCh37 (hg19) VCF-style: chr16-15814147-A-C.
Other names: c.4835T>G, p.Leu1612Arg (NM_001040113.2, NM_001040114.2); c.4814T>G, p.Leu1605Arg (NM_022844.3); c.948-3901A>C (NM_001143979.2, NM_017668.3); short protein forms L1605R, L1612R.
Identifiers: ClinVar variation 4114588 (VCV004114588.1).
Genomic context (GRCh38, chr16:15,720,290, plus strand): 5'-TCCCCTTCCAGCTTCTTCTTTGCTGCAGCTGCCAGGGCACGTTGCTTTCGCTCGTCTTCC[A>C]GTTCCGTCTCATACTCGTGAAGCTGGGCGAGGAATAGAGATGTGTGCTGCCCCACTTGCC-3'
Protein context (NP_002465.1, residues 1595-1615): QRQLHEYETE[Leu1605Arg]EDERKQRALA

ClinVar aggregate classification (germline): Uncertain significance (1 of 4 stars; one submission).

Conditions:
Familial thoracic aortic aneurysm and aortic dissection (TAAD). Also called: Thoracic aortic aneurysms and dissections. Identifiers: Orphanet 91387, MedGen C4707243, MONDO:0019625.

Submission:

Ambry Genetics
Classification: Uncertain significance for Familial thoracic aortic aneurysm and aortic dissection. Last evaluated: 2025-07-28. Review status: criteria provided, single submitter. Criteria: Ambry Variant Classification Scheme 2023. Collection method: clinical testing. Allele origin: germline.
Comment: The p.L1605R variant (also known as c.4814T>G), located in coding exon 33 of the MYH11 gene, results from a T to G substitution at nucleotide position 4814. The leucine at codon 1605 is replaced by arginine, an amino acid with dissimilar properties. This amino acid position is conserved. In addition, this alteration is predicted to be deleterious by in silico analysis. Based on the available evidence, the clinical significance of this variant remains unclear.